The following is an entry in ClinVar:

NM_001114753.3(ENG):c.600_603dup (p.Ala202fs)

Gene: ENG (endoglin; minus strand). Cytogenetic location: 9q34.11.
Variant type: Duplication.
Coding change: c.600_603dup on transcript NM_001114753.3 (MANE Select); coding-DNA positions 600 to 603, 4 bases duplicated (TCCA; older notation c.600_603dupTCCA).
Protein change: p.Ala202fs; shifts the reading frame from alanine 202.
Molecular consequence: frameshift variant.
Genome position (GRCh38, 1-based): chr9:127,825,781-127,825,784, TGGA duplicated on the plus strand (TCCA on the coding strand, the reverse complement: ENG is on the minus strand). VCF-style (leftmost placement, unchanged base first): chr9-127825780-C-CTGGA. GRCh37 (hg19) VCF-style: chr9-130588059-C-CTGGA.
Other names: c.600_603dup, p.Ala202Serfs (NM_000118.4, NM_001406715.1); c.54_57dup, p.Ala20fs (NM_001278138.2); short protein forms A20fs, A202fs.
Identifiers: ClinVar variation 838206 (VCV000838206.3), dbSNP rs1830599875, ClinGen allele CA916081556.
Genomic context (GRCh38, chr9:127,825,780, plus strand): 5'-TCAGGATGTGCGCCTCCTTGTGGCCGGCCACGCCTTCCAAGTGGCAGCCCCGGACCAAGG[C>CTGGA]TGGAGTACGCGGCCGCCACTCGAGCGTGCGGCCCATGTCCTGGCTGGCTTCCAGCATGCA-3'

ClinVar aggregate classification (germline): Pathogenic (1 of 4 stars; one submission).

Conditions:
Hereditary hemorrhagic telangiectasia (HHT). Also called: ORW DISEASE; Osler Weber Rendu syndrome; OSLER-RENDU-WEBER DISEASE; Osler hemorrhagic telangiectasia syndrome. Identifiers: Orphanet 774, MedGen C0039445, MONDO:0019180. Disease mechanism: loss of function.

Submission:

Labcorp Genetics (formerly Invitae), Labcorp
Classification: Pathogenic for Hereditary hemorrhagic telangiectasia. Last evaluated: 2019-01-30. Review status: criteria provided, single submitter. Criteria: Invitae Variant Classification Sherloc (09022015). Collection method: clinical testing. Allele origin: germline.
Comment: This sequence change creates a premature translational stop signal (p.Ala202Serfs*133) in the ENG gene. It is expected to result in an absent or disrupted protein product. This variant is not present in population databases (ExAC no frequency). This variant has not been reported in the literature in individuals with ENG-related conditions. Loss-of-function variants in ENG are known to be pathogenic (PMID: 15879500, 20656886, 22385575). For these reasons, this variant has been classified as Pathogenic.